The following is an entry in ClinVar:

ClinVar aggregate classification (germline): Uncertain significance (1 of 4 stars; one submission).

Conditions:
Inborn genetic diseases. Identifiers: MedGen C0950123, MeSH D030342.

gnomAD v4.1: 5 of 1,613,774 alleles (0.00031%); highest among the groups gnomAD compares: African/African-American, 0.0013%; no homozygotes.

Submission:

Ambry Genetics
Classification: Uncertain significance for Inborn genetic diseases. Last evaluated: 2026-07-23. Review status: criteria provided, single submitter. Criteria: Ambry Variant Classification Scheme 2023. Collection method: clinical testing. Allele origin: germline.
Comment: The c.1885C>T (p.P629S) alteration is located in exon 25 (coding exon 24) of the COL4A4 gene. This alteration results from a C to T substitution at nucleotide position 1885, causing the proline (P) at amino acid position 629 to be replaced by a serine (S). Based on data from gnomAD, the T allele has an overall frequency of <0.001% (1/248102) total alleles studied. The highest observed frequency was 0.001% (1/112366) of European (non-Finnish) alleles. Based on insufficient or conflicting evidence, the clinical significance of this alteration remains unclear.

NM_000092.5(COL4A4):c.1885C>T (p.Pro629Ser)

Gene: COL4A4 (collagen type IV alpha 4 chain; minus strand). Cytogenetic location: 2q36.3.
Variant type: single nucleotide variant.
Coding change: c.1885C>T on transcript NM_000092.5 (MANE Select); coding-DNA position 1885, C replaced by T.
Protein change: p.Pro629Ser; replaces proline 629 with serine.
Molecular consequence: missense variant.
Genome position (GRCh38, 1-based): chr2:227,077,996, G>A on the plus strand (C>T on the coding strand, the complement: COL4A4 is on the minus strand). VCF-style: chr2-227077996-G-A. GRCh37 (hg19) VCF-style: chr2-227942712-G-A.
Other names: short protein forms P629S.
Identifiers: ClinVar variation 5034782 (VCV005034782.1).